The following is an entry in ClinVar:

ClinVar aggregate classification (germline): Uncertain significance. Review status: criteria provided, multiple submitters, no conflicts (2 of 4 stars). 5 submissions from 5 submitters: Uncertain significance (3). 2 of the submissions do not count toward it. Last evaluated 2024-10-04.

Conditions:
BCO1-related disorder. Also called: BCO1-related condition.
Hereditary hypercarotenemia and vitamin A deficiency. Identifiers: Orphanet 199285, MedGen C2676023, MONDO:0007272, OMIM 115300.

Allele frequency attached by ClinVar (database versions not stated): 1000 Genomes Project 30x 0.00031; 1000 Genomes Project 0.00040; TOPMed 0.00117; gnomAD 0.00131; ExAC 0.00135.
gnomAD v4.1: 2,905 of 1,614,096 alleles (0.18%); highest among the groups gnomAD compares: Non-Finnish European, 0.22%; 4 homozygotes.

Submissions (5):

Blueprint Genetics
Classification: Uncertain significance. Last evaluated: 2024-10-04. Review status: criteria provided, single submitter. Criteria: ACMG Guidelines, 2015. Collection method: clinical testing. Allele origin: germline.

Department of Pathology and Laboratory Medicine, Sinai Health System
Classification: Uncertain significance for hereditary hypercarotenemia and vitamin A deficiency. Last evaluated: 2023-08-28. Review status: criteria provided, single submitter. Criteria: ACMG Guidelines, 2015. Collection method: research. Allele origin: germline.

Mendelics
Classification: Uncertain significance. Last evaluated: 2022-05-04. Review status: criteria provided, single submitter. Criteria: Mendelics Assertion Criteria 2019. Collection method: clinical testing. Allele origin: germline.

PreventionGenetics, part of Exact Sciences
Classification: Uncertain significance for BCO1-related condition. Last evaluated: 2023-10-19. Review status: no assertion criteria provided. Collection method: clinical testing. Allele origin: germline. Not counted in ClinVar's aggregate classification.
Comment: The BCO1 c.509C>T variant is predicted to result in the amino acid substitution p.Thr170Met. This variant has previously been reported in the heterozygous state in a patient with hypercarotenemia and mild hypovitaminosis A (Lindqvist et al. 2007. PubMed ID: 17951468). Additionally, it was identified by exome sequencing in a patient with a connective tissue disorder and also yellow-orange skin (Meerschaut et al 2019. PubMed ID: 31595668). In in vitro studies, the p.Thr170Met substitution was reported to result in a 90% reduction in activity of the carotenoid 15,15’-monooxygenase enzyme (Lindqvist et al. 2007. PubMed ID: 17951468). A second variant was not identified in the reported patient’s BCO1 gene. The authors speculated that a single causative BCO1 variant could lead to a disease phenotype due to haploinsufficiency (Lindqvist et al. 2007. PubMed ID: 17951468). However, this variant is reported in 0.26% of alleles in individuals of European (Finnish) descent in gnomAD, including in one homozygous individual, which is may be too common to be a primary cause of disease. At this time, the clinical significance of this variant is uncertain due to the absence of conclusive functional and genetic evidence.

OMIM
Classification: Pathogenic for HYPERCAROTENEMIA AND VITAMIN A DEFICIENCY, AUTOSOMAL DOMINANT (1 patient). Last evaluated: 2007-11-01. Review status: no assertion criteria provided. Collection method: literature only. Allele origin: germline. Not counted in ClinVar's aggregate classification.

Literature cited by the submitters: PubMed 5453458 (cited by OMIM); PubMed 17951468 (cited by OMIM).

NM_017429.3(BCO1):c.509C>T (p.Thr170Met)

Gene: BCO1 (beta-carotene oxygenase 1; plus strand). Cytogenetic location: 16q23.2.
Variant type: single nucleotide variant.
Coding change: c.509C>T on transcript NM_017429.3 (MANE Select); coding-DNA position 509, C replaced by T.
Protein change: p.Thr170Met; replaces threonine 170 with methionine.
Molecular consequence: missense variant.
Genome position (GRCh38, 1-based): chr16:81,264,677, C>T. VCF-style: chr16-81264677-C-T. GRCh37 (hg19) VCF-style: chr16-81298282-C-T.
Other names: c.509C>T (NM_017429.2); short protein forms T170M.
Identifiers: ClinVar variation 4772 (VCV000004772.6), dbSNP rs119478057, ClinGen allele CA117066.